The following is an entry in ClinVar:

ClinVar aggregate classification (germline): Uncertain significance. Review status: criteria provided, multiple submitters, no conflicts (2 of 4 stars). 3 submissions from 3 submitters: Uncertain significance (3). Last evaluated 2025-11-03.

Conditions:
Inborn genetic diseases. Identifiers: MedGen C0950123, MeSH D030342.

Allele frequency attached by ClinVar (database versions not stated): gnomAD 0.00001; gnomAD exomes 0.00001 and 0.00003; ExAC 0.00003; TOPMed 0.00003.

Submissions (3):

Labcorp Genetics (formerly Invitae), Labcorp
Classification: Uncertain significance. Last evaluated: 2025-11-03. Review status: criteria provided, single submitter. Criteria: Invitae Variant Classification Sherloc (09022015). Collection method: clinical testing. Allele origin: germline.
Comment: This sequence change replaces isoleucine, which is neutral and non-polar, with threonine, which is neutral and polar, at codon 512 of the SLITRK6 protein (p.Ile512Thr). This variant is present in population databases (rs763522824, gnomAD 0.01%). This variant has not been reported in the literature in individuals affected with SLITRK6-related conditions. ClinVar contains an entry for this variant (Variation ID: 1423909). An algorithm developed to predict the effect of missense changes on protein structure and function (PolyPhen-2) suggests that this variant is likely to be disruptive. In summary, the available evidence is currently insufficient to determine the role of this variant in disease. Therefore, it has been classified as a Variant of Uncertain Significance.

Blueprint Genetics
Classification: Uncertain significance. Last evaluated: 2024-04-22. Review status: criteria provided, single submitter. Criteria: ACMG Guidelines, 2015. Collection method: clinical testing. Allele origin: germline.

Ambry Genetics
Classification: Uncertain significance for Inborn genetic diseases. Last evaluated: 2023-12-27. Review status: criteria provided, single submitter. Criteria: Ambry Variant Classification Scheme 2023. Collection method: clinical testing. Allele origin: germline.

NM_032229.3(SLITRK6):c.1535T>C (p.Ile512Thr)

Gene: SLITRK6 (SLIT and NTRK like family member 6; minus strand). Cytogenetic location: 13q31.1.
Variant type: single nucleotide variant.
Coding change: c.1535T>C on transcript NM_032229.3 (MANE Select); coding-DNA position 1535, T replaced by C.
Protein change: p.Ile512Thr; replaces isoleucine 512 with threonine.
Molecular consequence: missense variant.
Genome position (GRCh38, 1-based): chr13:85,794,974, A>G on the plus strand (T>C on the coding strand, the complement: SLITRK6 is on the minus strand). VCF-style: chr13-85794974-A-G. GRCh37 (hg19) VCF-style: chr13-86369109-A-G.
Other names: c.1535T>C (NM_032229.2); short protein forms I512T.
Identifiers: ClinVar variation 1423909 (VCV001423909.8), dbSNP rs763522824, ClinGen allele CA7015083.